The following is an entry in ClinVar:

ClinVar aggregate classification (germline): Uncertain significance. Review status: criteria provided, multiple submitters, no conflicts (2 of 4 stars). 3 submissions from 3 submitters: Uncertain significance (3). Last evaluated 2024-09-09.

Conditions:
Inborn genetic diseases. Identifiers: MedGen C0950123, MeSH D030342.

Allele frequency attached by ClinVar (database versions not stated): gnomAD 0.00002; gnomAD exomes 0.00002; TOPMed 0.00002; ExAC 0.00005.
gnomAD v4.1: 26 of 1,609,398 alleles (0.0016%); highest among the groups gnomAD compares: East Asian, 0.0022%; no homozygotes.

Submissions (3):

GeneDx
Classification: Uncertain significance. Last evaluated: 2024-09-09. Review status: criteria provided, single submitter. Criteria: GeneDx Variant Classification Process June 2021. Collection method: clinical testing. Allele origin: germline. Affected: yes.
Comment: In silico analysis indicates that this missense variant does not alter protein structure/function; Has not been previously published as pathogenic or benign to our knowledge

Labcorp Genetics (formerly Invitae), Labcorp
Classification: Uncertain significance. Last evaluated: 2021-12-22. Review status: criteria provided, single submitter. Criteria: Invitae Variant Classification Sherloc (09022015). Collection method: clinical testing. Allele origin: germline.
Comment: In summary, the available evidence is currently insufficient to determine the role of this variant in disease. Therefore, it has been classified as a Variant of Uncertain Significance. Algorithms developed to predict the effect of sequence changes on RNA splicing suggest that this variant may create or strengthen a splice site. Algorithms developed to predict the effect of missense changes on protein structure and function (SIFT, PolyPhen-2, Align-GVGD) all suggest that this variant is likely to be tolerated. This variant has not been reported in the literature in individuals affected with INPPL1-related conditions. This variant is present in population databases (rs777010283, gnomAD 0.005%). This sequence change replaces arginine, which is basic and polar, with glutamine, which is neutral and polar, at codon 216 of the INPPL1 protein (p.Arg216Gln).

Ambry Genetics
Classification: Uncertain significance for Inborn genetic diseases. Last evaluated: 2021-08-13. Review status: criteria provided, single submitter. Criteria: Ambry Variant Classification Scheme 2023. Collection method: clinical testing. Allele origin: germline.

NM_001567.4(INPPL1):c.647G>A (p.Arg216Gln)

Gene: INPPL1 (inositol polyphosphate phosphatase like 1; plus strand). Cytogenetic location: 11q13.4.
Variant type: single nucleotide variant.
Coding change: c.647G>A on transcript NM_001567.4 (MANE Select); coding-DNA position 647, G replaced by A.
Protein change: p.Arg216Gln; replaces arginine 216 with glutamine.
Molecular consequence: missense variant.
Genome position (GRCh38, 1-based): chr11:72,229,218, G>A. VCF-style: chr11-72229218-G-A. GRCh37 (hg19) VCF-style: chr11-71940262-G-A.
Other names: short protein forms R216Q.
Identifiers: ClinVar variation 1964949 (VCV001964949.5), dbSNP rs777010283, ClinGen allele CA6169729.